The following is an entry in ClinVar:

NM_181705.4(LYRM7):c.162+2T>A

Gene: LYRM7 (LYR motif containing 7; plus strand). Cytogenetic location: 5q23.3.
Variant type: single nucleotide variant.
Coding change: c.162+2T>A on transcript NM_181705.4 (MANE Select); the canonical splice donor site of the intron after coding-DNA position 162, T replaced by A.
Molecular consequence: splice donor variant.
Genome position (GRCh38, 1-based): chr5:131,182,301, T>A. VCF-style: chr5-131182301-T-A. GRCh37 (hg19) VCF-style: chr5-130517994-T-A.
Other names: c.162+2T>A (NM_001293735.2).
Identifiers: ClinVar variation 1510503 (VCV001510503.8), dbSNP rs2149661882, ClinGen allele CA360839610.

ClinVar aggregate classification (germline): Likely pathogenic (1 of 4 stars; one submission).

Submission:

Labcorp Genetics (formerly Invitae), Labcorp
Classification: Likely pathogenic. Last evaluated: 2021-06-24. Review status: criteria provided, single submitter. Criteria: Invitae Variant Classification Sherloc (09022015). Collection method: clinical testing. Allele origin: germline.
Comment: This sequence change affects a donor splice site in intron 3 of the LYRM7 gene. It is expected to disrupt RNA splicing. Variants that disrupt the donor or acceptor splice site typically lead to a loss of protein function (PMID: 16199547), and loss-of-function variants in LYRM7 are known to be pathogenic (PMID: 26912632). This variant is not present in population databases (ExAC no frequency). This variant has not been reported in the literature in individuals with LYRM7-related conditions. Algorithms developed to predict the effect of sequence changes on RNA splicing suggest that this variant may disrupt the consensus splice site, but this prediction has not been confirmed by published transcriptional studies. In summary, the currently available evidence indicates that the variant is pathogenic, but additional data are needed to prove that conclusively. Therefore, this variant has been classified as Likely Pathogenic.

Literature cited by the submitters: PubMed 16199547; PubMed 26912632.